The following is an entry in ClinVar:

ClinVar aggregate classification (germline): Benign/Likely benign. Review status: criteria provided, multiple submitters, no conflicts (2 of 4 stars). 6 submissions from 6 submitters: Benign (1); Likely benign (4). 1 of the submissions does not count toward it. Last evaluated 2026-06-01.

Conditions:
PLCB1-related disorder. Also called: PLCB1-related condition.
Inborn genetic diseases. Identifiers: MedGen C0950123, MeSH D030342.
Developmental and epileptic encephalopathy, 12 (DEE12). Identifiers: MedGen C3150988, MONDO:0013389, OMIM 613722.

Allele frequency attached by ClinVar (database versions not stated): gnomAD exomes 0.00024 and 0.00122; 1000 Genomes Project 30x 0.00031; TOPMed 0.00051; ExAC 0.00110; gnomAD 0.00014 and 0.00015; 1000 Genomes Project 0.00020.
gnomAD v4.1: 354 of 1,610,822 alleles (0.022%); highest among the groups gnomAD compares: Admixed American, 0.58%; 5 homozygotes.

Submissions (6):

CeGaT Center for Human Genetics Tuebingen
Classification: Likely benign. Last evaluated: 2026-06-01. Review status: criteria provided, single submitter. Criteria: CeGaT Center For Human Genetics Tuebingen Variant Classification Criteria Version 2. Collection method: clinical testing. Allele origin: germline. Affected: yes. Observed: 1 variant allele.
Comment: PLCB1: BP4, BS2

Labcorp Genetics (formerly Invitae), Labcorp
Classification: Benign for Developmental and epileptic encephalopathy, 12. Last evaluated: 2026-01-31. Review status: criteria provided, single submitter. Criteria: Invitae Variant Classification Sherloc (09022015). Collection method: clinical testing. Allele origin: germline.

GeneDx
Classification: Likely benign. Last evaluated: 2024-11-08. Review status: criteria provided, single submitter. Criteria: GeneDx Variant Classification Process June 2021. Collection method: clinical testing. Allele origin: germline. Affected: yes.
Comment: See Variant Classification Assertion Criteria.

Athena Diagnostics
Classification: Likely benign. Last evaluated: 2024-10-07. Review status: criteria provided, single submitter. Criteria: Athena Diagnostics Criteria. Collection method: clinical testing. Allele origin: unknown.

Ambry Genetics
Classification: Likely benign for Inborn genetic diseases. Last evaluated: 2018-04-19. Review status: criteria provided, single submitter. Criteria: Ambry Variant Classification Scheme 2023. Collection method: clinical testing. Allele origin: germline.

PreventionGenetics, part of Exact Sciences
Classification: Benign for PLCB1-related condition. Last evaluated: 2023-10-18. Review status: no assertion criteria provided. Collection method: clinical testing. Allele origin: germline. Not counted in ClinVar's aggregate classification.
Comment: This variant is classified as benign based on ACMG/AMP sequence variant interpretation guidelines (Richards et al. 2015 PMID: 25741868, with internal and published modifications).

NM_015192.4(PLCB1):c.639A>C (p.Arg213Ser)

Gene: PLCB1 (phospholipase C beta 1; plus strand). Cytogenetic location: 20p12.3.
Variant type: single nucleotide variant.
Coding change: c.639A>C on transcript NM_015192.4 (MANE Select); coding-DNA position 639, A replaced by C.
Protein change: p.Arg213Ser; replaces arginine 213 with serine.
Molecular consequence: missense variant.
Genome position (GRCh38, 1-based): chr20:8,657,228, A>C. VCF-style: chr20-8657228-A-C. GRCh37 (hg19) VCF-style: chr20-8637875-A-C.
Other names: c.639A>C, p.Arg213Ser (NM_182734.3); short protein forms R213S.
Identifiers: ClinVar variation 415940 (VCV000415940.27), dbSNP rs140899287, ClinGen allele CA9759787.
Genomic context (GRCh38, chr20:8,657,228, plus strand): 5'-TTGTTTTATTTCCCAGAATGATTCAATACCTCAAGAAGATTTCACTCCAGAAGTGTACAG[A>C]GTTTTCCTCAACAACCTTTGCCCTCGACCTGAAATTGATAACATCTTTTCAGAATTGTAA-3'
Protein context (NP_056007.1, residues 203-223): PQEDFTPEVY[Arg213Ser]VFLNNLCPRP